The following is an entry in ClinVar:

ClinVar aggregate classification (germline): Uncertain significance. Review status: criteria provided, multiple submitters, no conflicts (2 of 4 stars). 2 submissions from 2 submitters: Uncertain significance (2). Last evaluated 2023-08-15.

Conditions:
Tuberous sclerosis syndrome (TSC). Also called: Tuberous Sclerosis Complex; Tuberous sclerosis. Identifiers: Orphanet 805, MedGen C0041341, MONDO:0001734.
Tuberous sclerosis 2 (TSC2). Identifiers: Orphanet 805, MedGen C1860707, MONDO:0013199, OMIM 613254.

Submissions (2):

All of Us Research Program, National Institutes of Health
Classification: Uncertain significance for Tuberous sclerosis syndrome. Last evaluated: 2023-08-15. Review status: criteria provided, single submitter. Criteria: ACMG Guidelines, 2015. Collection method: clinical testing. Allele origin: germline. Inheritance: Autosomal dominant inheritance. Observed: 1 variant allele, 1 heterozygote.
Comment: This study involves interpretation of variants in research participants for the purpose of population health screening. Participant phenotype was not available at the time of variant classification. Additional details can be found in publication PMID: 35346344, PMCID: PMC8962531

Labcorp Genetics (formerly Invitae), Labcorp
Classification: Uncertain significance for Tuberous sclerosis 2. Last evaluated: 2021-09-01. Review status: criteria provided, single submitter. Criteria: Invitae Variant Classification Sherloc (09022015). Collection method: clinical testing. Allele origin: germline.
Comment: This sequence change replaces threonine with serine at codon 1154 of the TSC2 protein (p.Thr1154Ser). The threonine residue is weakly conserved and there is a small physicochemical difference between threonine and serine. This variant is not present in population databases (ExAC no frequency). This variant has not been reported in the literature in individuals affected with TSC2-related conditions. Algorithms developed to predict the effect of missense changes on protein structure and function output the following: SIFT: "Tolerated"; PolyPhen-2: "Benign"; Align-GVGD: "Class C0". The serine amino acid residue is found in multiple mammalian species, which suggests that this missense change does not adversely affect protein function. In summary, the available evidence is currently insufficient to determine the role of this variant in disease. Therefore, it has been classified as a Variant of Uncertain Significance.

NM_000548.5(TSC2):c.3460A>T (p.Thr1154Ser)

Gene: TSC2 (TSC complex subunit 2; plus strand). Cytogenetic location: 16p13.3.
Variant type: single nucleotide variant.
Coding change: c.3460A>T on transcript NM_000548.5 (MANE Select); coding-DNA position 3460, A replaced by T.
Protein change: p.Thr1154Ser; replaces threonine 1154 with serine.
Molecular consequence: missense variant.
Genome position (GRCh38, 1-based): chr16:2,080,227, A>T. VCF-style: chr16-2080227-A-T. GRCh37 (hg19) VCF-style: chr16-2130228-A-T.
Other names: c.3328A>T, p.Thr1110Ser (NM_001077183.3, NM_001370404.1); c.3460A>T, p.Thr1154Ser (NM_001114382.3); c.3220A>T, p.Thr1074Ser (NM_001318827.2); c.3184A>T, p.Thr1062Ser (NM_001318829.2); c.2728A>T, p.Thr910Ser (NM_001318831.2); c.3361A>T, p.Thr1121Ser (NM_001318832.2); c.3331A>T, p.Thr1111Ser (NM_001363528.2, NM_001370405.1, NM_021055.3); short protein forms T1074S, T1110S, T1154S, T910S, T1062S, T1111S, T1121S.
Identifiers: ClinVar variation 1044555 (VCV001044555.6), dbSNP rs1266509754, ClinGen allele CA394288842.
Genomic context (GRCh38, chr16:2,080,227, plus strand): 5'-GGCCATGGTCTTCGAGTTGGCGCCCTGGACGTGCCGGCCTCCCAGTTCCTGGGCAGTGCC[A>T]CTTCTCCAGGACCACGGACTGCACCAGCCGCGAAACCTGAGAAGGCCTCAGCTGGCACCC-3'
Protein context (NP_000539.2, residues 1144-1164): VPASQFLGSA[Thr1154Ser]SPGPRTAPAA